The following is an entry in ClinVar:

ClinVar aggregate classification (germline): Uncertain significance (1 of 4 stars; one submission).

Submission:

GeneDx
Classification: Uncertain significance. Last evaluated: 2024-10-11. Review status: criteria provided, single submitter. Criteria: GeneDx Variant Classification Process June 2021. Collection method: clinical testing. Allele origin: germline. Affected: yes.
Comment: Not observed at significant frequency in large population cohorts (gnomAD); In silico analysis indicates that this missense variant does not alter protein structure/function; Has not been previously published as pathogenic or benign to our knowledge

NM_001371623.1(TCOF1):c.3741G>C (p.Glu1247Asp)

Gene: TCOF1 (treacle ribosome biogenesis factor 1; plus strand). Cytogenetic location: 5q32.
Variant type: single nucleotide variant.
Coding change: c.3741G>C on transcript NM_001371623.1 (MANE Select); coding-DNA position 3741, G replaced by C.
Protein change: p.Glu1247Asp; replaces glutamic acid 1247 with aspartic acid.
Molecular consequence: missense variant.
Genome position (GRCh38, 1-based): chr5:150,393,509, G>C. VCF-style: chr5-150393509-G-C. GRCh37 (hg19) VCF-style: chr5-149773072-G-C.
Other names: c.3507G>C, p.Glu1169Asp (NM_000356.4); c.3738G>C, p.Glu1246Asp (NM_001135243.2); c.3627G>C, p.Glu1209Asp (NM_001135244.2); c.3510G>C, p.Glu1170Asp (NM_001135245.2); c.3624G>C, p.Glu1208Asp (NM_001195141.2); short protein forms E1169D, E1170D, E1208D, E1209D, E1246D, E1247D.
Identifiers: ClinVar variation 3777409 (VCV003777409.1).
Genomic context (GRCh38, chr5:150,393,509, plus strand): 5'-CTCCAGCCCCTCAGTTTCCTCTACTCTGGCCGCCAAAGATGACCCAGATGGCAAGCAGGA[G>C]GCAAAGCCCCAACAGGCAGCAGGCATGTTGTCCCCTAAAACAGGTAAGTTAAGGTCTGCA-3'
Protein context (NP_001358552.1, residues 1237-1257): AAKDDPDGKQ[Glu1247Asp]AKPQQAAGML